The following is an entry in ClinVar:

NM_144701.3(IL23R):c.899G>A (p.Gly300Asp)

Gene: IL23R (interleukin 23 receptor; plus strand). Cytogenetic location: 1p31.3.
Variant type: single nucleotide variant.
Coding change: c.899G>A on transcript NM_144701.3 (MANE Select); coding-DNA position 899, G replaced by A.
Protein change: p.Gly300Asp; replaces glycine 300 with aspartic acid.
Molecular consequence: missense variant.
Genome position (GRCh38, 1-based): chr1:67,219,674, G>A. VCF-style: chr1-67219674-G-A. GRCh37 (hg19) VCF-style: chr1-67685357-G-A.
Other names: short protein forms G300D.
Identifiers: ClinVar variation 3713333 (VCV003713333.2).

ClinVar aggregate classification (germline): Uncertain significance (1 of 4 stars; one submission).

gnomAD v4.1: 39 of 1,613,984 alleles (0.0024%); highest among the groups gnomAD compares: Non-Finnish European, 0.0033%; no homozygotes.

Submission:

Labcorp Genetics (formerly Invitae), Labcorp
Classification: Uncertain significance. Last evaluated: 2025-10-15. Review status: criteria provided, single submitter. Criteria: Invitae Variant Classification Sherloc (09022015). Collection method: clinical testing. Allele origin: germline.
Comment: This sequence change replaces glycine, which is neutral and non-polar, with aspartic acid, which is acidic and polar, at codon 300 of the IL23R protein (p.Gly300Asp). This variant is present in population databases (no rsID available, gnomAD 0.002%). This variant has not been reported in the literature in individuals affected with IL23R-related conditions. ClinVar contains an entry for this variant (Variation ID: 3713333). An algorithm developed to predict the effect of missense changes on protein structure and function (PolyPhen-2) suggests that this variant is likely to be tolerated. In summary, the available evidence is currently insufficient to determine the role of this variant in disease. Therefore, it has been classified as a Variant of Uncertain Significance.